The following is an entry in ClinVar:

ClinVar aggregate classification (germline): Uncertain significance. Review status: criteria provided, multiple submitters, no conflicts (2 of 4 stars). 2 submissions from 2 submitters: Uncertain significance (2). Last evaluated 2024-12-08.

Conditions:
Pancreatic adenocarcinoma. Identifiers: MedGen C0281361, MONDO:0006047, HP:0006725.

Allele frequency attached by ClinVar (database versions not stated): gnomAD 0.00001; gnomAD exomes 0.00001; TOPMed 0.00002.
gnomAD v4.1: 10 of 1,526,648 alleles (0.00066%); highest among the groups gnomAD compares: African/African-American, 0.0028%; no homozygotes.

Submissions (2):

Ambry Genetics
Classification: Uncertain significance. Last evaluated: 2024-12-08. Review status: criteria provided, single submitter. Criteria: Ambry Variant Classification Scheme 2023. Collection method: clinical testing. Allele origin: germline.
Comment: The p.S128L variant (also known as c.383C>T), located in coding exon 1 of the PALLD gene, results from a C to T substitution at nucleotide position 383. The serine at codon 128 is replaced by leucine, an amino acid with dissimilar properties. This amino acid position is conserved. In addition, this alteration is predicted to be tolerated by in silico analysis. Based on the available evidence, the clinical significance of this variant remains unclear.

Labcorp Genetics (formerly Invitae), Labcorp
Classification: Uncertain significance for Pancreatic adenocarcinoma. Last evaluated: 2022-05-04. Review status: criteria provided, single submitter. Criteria: Invitae Variant Classification Sherloc (09022015). Collection method: clinical testing. Allele origin: germline.
Comment: In summary, the available evidence is currently insufficient to determine the role of this variant in disease. Therefore, it has been classified as a Variant of Uncertain Significance. Algorithms developed to predict the effect of missense changes on protein structure and function (SIFT, PolyPhen-2, Align-GVGD) all suggest that this variant is likely to be tolerated. This variant has not been reported in the literature in individuals affected with PALLD-related conditions. This variant is present in population databases (no rsID available, gnomAD 0.01%). This sequence change replaces serine, which is neutral and polar, with leucine, which is neutral and non-polar, at codon 128 of the PALLD protein (p.Ser128Leu).

NM_001166108.2(PALLD):c.1965-12648C>T

Gene: PALLD (palladin, cytoskeletal associated protein; plus strand). Cytogenetic location: 4q32.3.
Variant type: single nucleotide variant.
Coding change: c.1965-12648C>T on transcript NM_001166108.2 (MANE Select); 12648 bases into the intron before coding-DNA position 1965, C replaced by T.
Molecular consequence: intron variant. On other transcripts: missense variant (1).
Genome position (GRCh38, 1-based): chr4:168,878,274, C>T. VCF-style: chr4-168878274-C-T. GRCh37 (hg19) VCF-style: chr4-169799425-C-T.
Other names: c.383C>T, p.Ser128Leu (NM_001166110.2); c.1965-12648C>T (NM_016081.4); c.819-12648C>T (NM_001166109.2); c.-157-12648C>T (NM_001367570.1, NM_001367568.1, NM_001367567.1 and 1 more transcripts); c.383C>T (NM_001166110.1); short protein forms S128L.
Identifiers: ClinVar variation 2202963 (VCV002202963.5), dbSNP rs940061939, ClinGen allele CA110515943.